The following is an entry in ClinVar:

ClinVar aggregate classification (germline): Benign/Likely benign. Review status: criteria provided, multiple submitters, no conflicts (2 of 4 stars). 4 submissions from 4 submitters: Benign (1); Likely benign (2). 1 of the submissions does not count toward it. Last evaluated 2026-04-22.

Conditions:
DNMT1-related disorder. Also called: DNMT1-related condition. Identifiers: MedGen CN381527.
Hereditary sensory neuropathy-deafness-dementia syndrome. Also called: Hereditary Sensory and Autonomic Neuropathy Type 1E (HSAN1E); HSN IE; Hereditary sensory neuropathy type IE; NEUROPATHY, HEREDITARY SENSORY, WITH HEARING LOSS AND DEMENTIA. Identifiers: Orphanet 456318, MedGen C3279885, MONDO:0013584, OMIM 614116.

Allele frequency attached by ClinVar (database versions not stated): ExAC 0.00003; gnomAD exomes 0.00006 and 0.00008; TOPMed 0.00006; gnomAD 0.00007.
gnomAD v4.1: 118 of 1,614,066 alleles (0.0073%); highest among the groups gnomAD compares: Non-Finnish European, 0.0097%; no homozygotes.

Submissions (4):

Women's Health and Genetics/Laboratory Corporation of America, LabCorp
Classification: Benign. Last evaluated: 2026-04-22. Review status: criteria provided, single submitter. Criteria: LabCorp Variant Classification Summary - May 2015. Collection method: clinical testing. Allele origin: germline.

Labcorp Genetics (formerly Invitae), Labcorp
Classification: Likely benign for Hereditary sensory neuropathy-deafness-dementia syndrome. Last evaluated: 2026-01-20. Review status: criteria provided, single submitter. Criteria: Invitae Variant Classification Sherloc (09022015). Collection method: clinical testing. Allele origin: germline.

Blueprint Genetics
Classification: Likely benign. Last evaluated: 2024-07-01. Review status: criteria provided, single submitter. Criteria: ACMG Guidelines, 2015. Collection method: clinical testing. Allele origin: germline.

PreventionGenetics, part of Exact Sciences
Classification: Likely benign for DNMT1-related condition. Last evaluated: 2024-07-24. Review status: no assertion criteria provided. Collection method: clinical testing. Allele origin: germline. Not counted in ClinVar's aggregate classification.
Comment: This variant is classified as likely benign based on ACMG/AMP sequence variant interpretation guidelines (Richards et al. 2015 PMID: 25741868, with internal and published modifications).

NM_001130823.3(DNMT1):c.687T>G (p.Val229=)

Gene: DNMT1 (DNA methyltransferase 1; minus strand). Cytogenetic location: 19p13.2.
Variant type: single nucleotide variant.
Coding change: c.687T>G on transcript NM_001130823.3 (MANE Select); coding-DNA position 687, T replaced by G.
Protein change: p.Val229=; no amino-acid change (valine 229 retained).
Molecular consequence: synonymous variant.
Genome position (GRCh38, 1-based): chr19:10,173,171, A>C on the plus strand (T>G on the coding strand, the complement: DNMT1 is on the minus strand). VCF-style: chr19-10173171-A-C. GRCh37 (hg19) VCF-style: chr19-10283847-A-C.
Other names: c.639T>G, p.Val213= (NM_001318730.2, NM_001379.4); c.324T>G, p.Val108= (NM_001318731.2); c.687T>G (NM_001130823.2, LRG_362t1).
Identifiers: ClinVar variation 472281 (VCV000472281.14), dbSNP rs61758429, ClinGen allele CA9188636.